The following is an entry in ClinVar:

ClinVar aggregate classification (germline): Uncertain significance. Review status: criteria provided, multiple submitters, no conflicts (2 of 4 stars). 3 submissions from 3 submitters: Uncertain significance (3). Last evaluated 2024-10-24.

Conditions:
Metaphyseal chondrodysplasia, Jansen type. Also called: Metaphyseal chondrodysplasia Murk Jansen type; PTH1R-Related Jansen Metaphyseal Chondrodysplasia. Identifiers: Orphanet 33067, MedGen C0265295, MONDO:0007982, OMIM 156400.
Eiken syndrome (EKNS). Also called: BONE MODELING DEFECT OF HANDS AND FEET. Identifiers: Orphanet 79106, MedGen C1838779, MONDO:0010803, OMIM 600002.
Primary failure of tooth eruption. Also called: UNERUPTED SECOND PRIMARY MOLAR; DENTAL NONERUPTION; PRIMARY RETENTION OF TEETH; POSTERIOR OPENBITE MALOCCLUSION, FAMILIAL. Identifiers: Orphanet 412206, MedGen C1852222, MONDO:0007434, OMIM 125350.
Chondrodysplasia Blomstrand type (BOCD). Identifiers: Orphanet 50945, MedGen C1859148, MONDO:0008970, OMIM 215045.

Allele frequency attached by ClinVar (database versions not stated): gnomAD exomes 0.00001 and 0.00003; ExAC 0.00003; gnomAD 0.00007 and 0.00008; TOPMed 0.00007; ESP Exome Variant Server 0.00008.
gnomAD v4.1: 24 of 1,613,866 alleles (0.0015%); highest among the groups gnomAD compares: Middle Eastern, 0.016%; no homozygotes.

Submissions (3):

Labcorp Genetics (formerly Invitae), Labcorp
Classification: Uncertain significance. Last evaluated: 2024-10-24. Review status: criteria provided, single submitter. Criteria: Invitae Variant Classification Sherloc (09022015). Collection method: clinical testing. Allele origin: germline.
Comment: This sequence change replaces glycine, which is neutral and non-polar, with serine, which is neutral and polar, at codon 566 of the PTH1R protein (p.Gly566Ser). This variant is present in population databases (rs147371743, gnomAD 0.02%). This variant has not been reported in the literature in individuals affected with PTH1R-related conditions. ClinVar contains an entry for this variant (Variation ID: 1309110). An algorithm developed to predict the effect of missense changes on protein structure and function (PolyPhen-2) suggests that this variant is likely to be tolerated. In summary, the available evidence is currently insufficient to determine the role of this variant in disease. Therefore, it has been classified as a Variant of Uncertain Significance.

Fulgent Genetics
Classification: Uncertain significance for Primary failure of tooth eruption; Metaphyseal chondrodysplasia, Jansen type; Chondrodysplasia Blomstrand type; Eiken syndrome. Last evaluated: 2024-06-04. Review status: criteria provided, single submitter. Criteria: ACMG Guidelines, 2015. Collection method: clinical testing. Allele origin: germline.

GeneDx
Classification: Uncertain significance. Last evaluated: 2019-10-07. Review status: criteria provided, single submitter. Criteria: GeneDx Variant Classification Process June 2021. Collection method: clinical testing. Allele origin: germline. Affected: yes.
Comment: In silico analysis, which includes protein predictors and evolutionary conservation, supports that this variant does not alter protein structure/function; Has not been previously published as pathogenic or benign to our knowledge

NM_000316.3(PTH1R):c.1696G>A (p.Gly566Ser)

Gene: PTH1R (parathyroid hormone 1 receptor; plus strand). Cytogenetic location: 3p21.31.
Variant type: single nucleotide variant.
Coding change: c.1696G>A on transcript NM_000316.3 (MANE Select); coding-DNA position 1696, G replaced by A.
Protein change: p.Gly566Ser; replaces glycine 566 with serine.
Molecular consequence: missense variant.
Genome position (GRCh38, 1-based): chr3:46,903,570, G>A. VCF-style: chr3-46903570-G-A. GRCh37 (hg19) VCF-style: chr3-46945060-G-A.
Other names: c.1696G>A, p.Gly566Ser (NM_001184744.1); short protein forms G566S.
Identifiers: ClinVar variation 1309110 (VCV001309110.11), dbSNP rs147371743, ClinGen allele CA2359607.